The following is an entry in ClinVar:

ClinVar aggregate classification (germline): Uncertain significance (1 of 4 stars; one submission).

Conditions:
CITED2-related disorder. Also called: CITED2-related condition.

Submission:

PreventionGenetics, part of Exact Sciences
Classification: Uncertain significance for CITED2-related condition. Last evaluated: 2026-03-09. Review status: criteria provided, single submitter. Criteria: ACMG Guidelines, 2015. Collection method: clinical testing. Allele origin: germline.
Comment: The CITED2 c.486C>G variant is predicted to result in the amino acid substitution p.Asn162Lys. To our knowledge, this variant has not been reported in the literature or in a large population database (gnomAD), indicating this variant is rare. At this time, the clinical significance of this variant is uncertain due to the absence of conclusive functional and genetic evidence.

NM_006079.5(CITED2):c.471C>G (p.Asn157Lys)

Gene: CITED2 (Cbp/p300 interacting transactivator with ED-rich tail 2; minus strand). Cytogenetic location: 6q24.1.
Variant type: single nucleotide variant.
Coding change: c.471C>G on transcript NM_006079.5 (MANE Select); coding-DNA position 471, C replaced by G.
Protein change: p.Asn157Lys; replaces asparagine 157 with lysine.
Molecular consequence: missense variant.
Genome position (GRCh38, 1-based): chr6:139,373,474, G>C on the plus strand (C>G on the coding strand, the complement: CITED2 is on the minus strand). VCF-style: chr6-139373474-G-C. GRCh37 (hg19) VCF-style: chr6-139694611-G-C.
Other names: c.471C>G, p.Asn157Lys (NM_001168388.3); c.486C>G, p.Asn162Lys (NM_001168389.3); short protein forms N162K, N157K.
Identifiers: ClinVar variation 4995535 (VCV004995535.1).